The following is an entry in ClinVar:

ClinVar aggregate classification (germline): Uncertain significance (1 of 4 stars; one submission).

Allele frequency attached by ClinVar (database versions not stated): gnomAD exomes 0.00002 and 0.00004; TOPMed 0.00002; gnomAD 0.00004; ExAC 0.00005; 1000 Genomes Project 30x 0.00016; 1000 Genomes Project 0.00020.
gnomAD v4.1: 70 of 1,614,160 alleles (0.0043%); highest among the groups gnomAD compares: Non-Finnish European, 0.0047%; no homozygotes.

Submission:

Labcorp Genetics (formerly Invitae), Labcorp
Classification: Uncertain significance. Last evaluated: 2021-09-04. Review status: criteria provided, single submitter. Criteria: Invitae Variant Classification Sherloc (09022015). Collection method: clinical testing. Allele origin: germline.
Comment: This sequence change replaces arginine with cysteine at codon 341 of the KIAA0753 protein (p.Arg341Cys). The arginine residue is highly conserved and there is a large physicochemical difference between arginine and cysteine. This variant is present in population databases (rs570307040, ExAC 0.03%). This variant has not been reported in the literature in individuals affected with KIAA0753-related conditions. Algorithms developed to predict the effect of missense changes on protein structure and function (SIFT, PolyPhen-2, Align-GVGD) all suggest that this variant is likely to be disruptive. In summary, the available evidence is currently insufficient to determine the role of this variant in disease. Therefore, it has been classified as a Variant of Uncertain Significance.

NM_014804.3(KIAA0753):c.1021C>T (p.Arg341Cys)

Gene: KIAA0753 (KIAA0753; minus strand). Cytogenetic location: 17p13.1.
Variant type: single nucleotide variant.
Coding change: c.1021C>T on transcript NM_014804.3 (MANE Select); coding-DNA position 1021, C replaced by T.
Protein change: p.Arg341Cys; replaces arginine 341 with cysteine.
Molecular consequence: missense variant. On other transcripts: non-coding transcript variant (3).
Genome position (GRCh38, 1-based): chr17:6,622,965, G>A on the plus strand (C>T on the coding strand, the complement: KIAA0753 is on the minus strand). VCF-style: chr17-6622965-G-A. GRCh37 (hg19) VCF-style: chr17-6526285-G-A.
Other names: c.124C>T, p.Arg42Cys (NM_001351225.2); short protein forms R341C, R42C.
Identifiers: ClinVar variation 1487520 (VCV001487520.1), dbSNP rs570307040, ClinGen allele CA8330623.